The following is an entry in ClinVar:

ClinVar aggregate classification (germline): Likely pathogenic (1 of 4 stars; one submission).

Submission:

Labcorp Genetics (formerly Invitae), Labcorp
Classification: Likely pathogenic. Last evaluated: 2025-06-12. Review status: criteria provided, single submitter. Criteria: Invitae Variant Classification Sherloc (09022015). Collection method: clinical testing. Allele origin: germline.
Comment: This sequence change replaces cysteine, which is neutral and slightly polar, with glycine, which is neutral and non-polar, at codon 1678 of the COL4A5 protein (p.Cys1678Gly). This variant is not present in population databases (gnomAD no frequency). This variant has not been reported in the literature in individuals affected with COL4A5-related conditions. ClinVar contains an entry for this variant (Variation ID: 1504190). Invitae Evidence Modeling of protein sequence and biophysical properties (such as structural, functional, and spatial information, amino acid conservation, physicochemical variation, residue mobility, and thermodynamic stability) indicates that this missense variant is expected to disrupt COL4A5 protein function with a positive predictive value of 95%. This variant disrupts the p.Cys1678 amino acid residue in COL4A5. Other variant(s) that disrupt this residue have been observed in individuals with COL4A5-related conditions (PMID: 10561141, 12105244, 24854265), which suggests that this may be a clinically significant amino acid residue. In summary, the currently available evidence indicates that the variant is pathogenic, but additional data are needed to prove that conclusively. Therefore, this variant has been classified as Likely Pathogenic.

Literature cited by the submitters: PubMed 10561141; PubMed 12105244; PubMed 24854265.

NM_033380.3(COL4A5):c.5050T>G (p.Cys1684Gly)

Gene: COL4A5 (collagen type IV alpha 5 chain; plus strand). Cytogenetic location: Xq22.3.
Variant type: single nucleotide variant.
Coding change: c.5050T>G on transcript NM_033380.3 (MANE Select); coding-DNA position 5050, T replaced by G.
Protein change: p.Cys1684Gly; replaces cysteine 1684 with glycine.
Molecular consequence: missense variant.
Genome position (GRCh38, 1-based): chrX:108,696,352, T>G. VCF-style: chrX-108696352-T-G. GRCh37 (hg19) VCF-style: chrX-107939582-T-G.
Other names: c.5032T>G, p.Cys1678Gly (NM_000495.5); short protein forms C1678G, C1684G.
Identifiers: ClinVar variation 1504190 (VCV001504190.8), dbSNP rs104886310, ClinGen allele CA414133143.